The following is an entry in ClinVar:

ClinVar aggregate classification (germline): Uncertain significance (1 of 4 stars; one submission).

Conditions:
Hereditary cancer-predisposing syndrome. Also called: Hereditary neoplastic syndrome; Neoplastic Syndromes, Hereditary; Tumor predisposition; Hereditary Cancer Syndrome. Identifiers: Orphanet 140162, MedGen C0027672, MeSH D009386, MONDO:0015356.

Submission:

Ambry Genetics
Classification: Uncertain significance for Hereditary cancer-predisposing syndrome. Last evaluated: 2025-08-27. Review status: criteria provided, single submitter. Criteria: Ambry Variant Classification Scheme 2023. Collection method: clinical testing. Allele origin: germline.
Comment: The p.L317I variant (also known as c.949C>A), located in coding exon 11 of the MUTYH gene, results from a C to A substitution at nucleotide position 949. The leucine at codon 317 is replaced by isoleucine, an amino acid with highly similar properties. This amino acid position is conserved. In addition, this alteration is predicted to be tolerated by in silico analysis. Based on the available evidence, the clinical significance of this variant remains unclear.

NM_001048174.2(MUTYH):c.865C>A (p.Leu289Ile)

Gene: MUTYH (mutY DNA glycosylase; minus strand). Cytogenetic location: 1p34.1.
Variant type: single nucleotide variant.
Coding change: c.865C>A on transcript NM_001048174.2 (MANE Select); coding-DNA position 865, C replaced by A.
Protein change: p.Leu289Ile; replaces leucine 289 with isoleucine.
Molecular consequence: missense variant. On other transcripts: non-coding transcript variant (7).
Genome position (GRCh38, 1-based): chr1:45,332,071, G>T on the plus strand (C>A on the coding strand, the complement: MUTYH is on the minus strand). VCF-style: chr1-45332071-G-T. GRCh37 (hg19) VCF-style: chr1-45797743-G-T.
Other names: c.865C>A, p.Leu289Ile (NM_001048171.2, NM_001048173.2, NM_001407070.1 and 6 more transcripts); c.868C>A, p.Leu290Ile (NM_001048172.2, NM_001407071.1, NM_001407078.1 and 1 more transcripts); c.781C>A, p.Leu261Ile (NM_001407075.1); c.898C>A, p.Leu300Ile (NM_001407077.1, NM_001293191.2, NM_001407069.1); c.826C>A, p.Leu276Ile (NM_001407079.1); c.823C>A, p.Leu275Ile (NM_001407080.1); c.949C>A, p.Leu317Ile (NM_001128425.2); c.910C>A, p.Leu304Ile (NM_001293190.2); and 5 more; short protein forms L197I, L290I, L296I, L317I, L261I, L289I, L304I, L276I.
Identifiers: ClinVar variation 4113940 (VCV004113940.1).